The following is an entry in ClinVar:

NM_032447.5(FBN3):c.6184G>A (p.Ala2062Thr)

Gene: FBN3 (fibrillin 3; minus strand). Cytogenetic location: 19p13.2.
Variant type: single nucleotide variant.
Coding change: c.6184G>A on transcript NM_032447.5 (MANE Select); coding-DNA position 6184, G replaced by A.
Protein change: p.Ala2062Thr; replaces alanine 2062 with threonine.
Molecular consequence: missense variant.
Genome position (GRCh38, 1-based): chr19:8,090,099, C>T on the plus strand (G>A on the coding strand, the complement: FBN3 is on the minus strand). VCF-style: chr19-8090099-C-T. GRCh37 (hg19) VCF-style: chr19-8154983-C-T.
Other names: c.6184G>A, p.Ala2062Thr (NM_001321431.2); short protein forms A2062T.
Identifiers: ClinVar variation 2189462 (VCV002189462.4), dbSNP rs760712528, ClinGen allele CA9151399.

ClinVar aggregate classification (germline): Uncertain significance (1 of 4 stars; one submission).

Allele frequency attached by ClinVar (database versions not stated): gnomAD 0.00001; TOPMed 0.00001; gnomAD exomes 0.00002; ExAC 0.00010.
gnomAD v4.1: 32 of 1,613,080 alleles (0.002%); highest among the groups gnomAD compares: East Asian, 0.0022%; no homozygotes.

Submission:

Labcorp Genetics (formerly Invitae), Labcorp
Classification: Uncertain significance. Last evaluated: 2023-10-13. Review status: criteria provided, single submitter. Criteria: Invitae Variant Classification Sherloc (09022015). Collection method: clinical testing. Allele origin: germline.
Comment: This sequence change replaces alanine, which is neutral and non-polar, with threonine, which is neutral and polar, at codon 2062 of the FBN3 protein (p.Ala2062Thr). This variant also falls at the last nucleotide of exon 49, which is part of the consensus splice site for this exon. This variant is present in population databases (rs760712528, gnomAD 0.01%). This variant has not been reported in the literature in individuals affected with FBN3-related conditions. ClinVar contains an entry for this variant (Variation ID: 2189462). An algorithm developed to predict the effect of missense changes on protein structure and function (PolyPhen-2) suggests that this variant is likely to be disruptive. Variants that disrupt the consensus splice site are a relatively common cause of aberrant splicing (PMID: 17576681, 9536098). Algorithms developed to predict the effect of sequence changes on RNA splicing suggest that this variant may disrupt the consensus splice site. In summary, the available evidence is currently insufficient to determine the role of this variant in disease. Therefore, it has been classified as a Variant of Uncertain Significance.

Literature cited by the submitters: PubMed 17576681; PubMed 9536098.